The following is an entry in ClinVar:

NM_002734.5(PRKAR1A):c.892-3T>C

Gene: PRKAR1A (protein kinase cAMP-dependent type I regulatory subunit alpha; plus strand). Cytogenetic location: 17q24.2.
Variant type: single nucleotide variant.
Coding change: c.892-3T>C on transcript NM_002734.5 (MANE Select); 3 bases into the intron before coding-DNA position 892, T replaced by C.
Molecular consequence: intron variant.
Genome position (GRCh38, 1-based): chr17:68,529,917, T>C. VCF-style: chr17-68529917-T-C. GRCh37 (hg19) VCF-style: chr17-66526058-T-C.
Other names: c.892-3T>C (NM_001278433.2, NM_001369389.1, NM_212471.3 and 4 more transcripts).
Identifiers: ClinVar variation 4144357 (VCV004144357.1).
Genomic context (GRCh38, chr17:68,529,917, plus strand): 5'-TTAAGGTGCCACCCTGGGTTTGAGAGTGTGTGTTTGTTTAGCTTTTTGGTGATTTTATTA[T>C]AGGGGTCAGCTGCTGTGCTACAACGTCGGTCAGAAAATGAAGAGTTTGTTGAAGTGGGAA-3'

ClinVar aggregate classification (germline): Uncertain significance (1 of 4 stars; one submission).

Conditions:
Hereditary cancer-predisposing syndrome. Also called: Hereditary neoplastic syndrome; Neoplastic Syndromes, Hereditary; Tumor predisposition; Hereditary Cancer Syndrome. Identifiers: Orphanet 140162, MedGen C0027672, MeSH D009386, MONDO:0015356.

gnomAD v4.1: 2 of 1,613,974 alleles (0.00012%); highest among the groups gnomAD compares: South Asian, 0.0011%; no homozygotes.

Submission:

Ambry Genetics
Classification: Uncertain significance for Hereditary cancer-predisposing syndrome. Last evaluated: 2025-08-08. Review status: criteria provided, single submitter. Criteria: Ambry Variant Classification Scheme 2023. Collection method: clinical testing. Allele origin: germline.
Comment: The c.892-3T>C intronic variant results from a T to C substitution 3 nucleotides upstream from coding exon 9 in the PRKAR1A gene. This nucleotide position is not well conserved in available vertebrate species. In silico splice site analysis predicts that this alteration will not have any significant effect on splicing. Based on the available evidence, the clinical significance of this variant remains unclear.